The following is an entry in ClinVar:

ClinVar aggregate classification (germline): Uncertain significance (1 of 4 stars; one submission).

Allele frequency attached by ClinVar (database versions not stated): gnomAD exomes below 0.00001.
gnomAD v4.1: 3 of 1,612,628 alleles (0.00019%); highest among the groups gnomAD compares: South Asian, 0.0011%; no homozygotes.

Submission:

Labcorp Genetics (formerly Invitae), Labcorp
Classification: Uncertain significance. Last evaluated: 2021-03-16. Review status: criteria provided, single submitter. Criteria: Invitae Variant Classification Sherloc (09022015). Collection method: clinical testing. Allele origin: germline.
Comment: In summary, the available evidence is currently insufficient to determine the role of this variant in disease. Therefore, it has been classified as a Variant of Uncertain Significance. Algorithms developed to predict the effect of missense changes on protein structure and function are either unavailable or do not agree on the potential impact of this missense change (SIFT: "Deleterious"; PolyPhen-2: "Probably Damaging"; Align-GVGD: "Class C0"). This variant has not been reported in the literature in individuals with C5-related conditions. This variant is not present in population databases (ExAC no frequency). This sequence change replaces proline with leucine at codon 791 of the C5 protein (p.Pro791Leu). The proline residue is highly conserved and there is a moderate physicochemical difference between proline and leucine.

NM_001735.3(C5):c.2372C>T (p.Pro791Leu)

Gene: C5 (complement C5; minus strand). Cytogenetic location: 9q33.2.
Variant type: single nucleotide variant.
Coding change: c.2372C>T on transcript NM_001735.3 (MANE Select); coding-DNA position 2372, C replaced by T.
Protein change: p.Pro791Leu; replaces proline 791 with leucine.
Molecular consequence: missense variant.
Genome position (GRCh38, 1-based): chr9:121,006,954, G>A on the plus strand (C>T on the coding strand, the complement: C5 is on the minus strand). VCF-style: chr9-121006954-G-A. GRCh37 (hg19) VCF-style: chr9-123769232-G-A.
Other names: c.2390C>T, p.Pro797Leu (NM_001317163.2); c.2372C>T, p.Pro791Leu (NM_001317164.2); short protein forms P797L, P791L.
Identifiers: ClinVar variation 1517052 (VCV001517052.8), dbSNP rs999023768, ClinGen allele CA199373843.
Genomic context (GRCh38, chr9:121,006,954, plus strand): 5'-ACCTGCTTACCAGTGTTTGAAATGCCAACGCCTTGAATTTCCCAGGTGGTTAGAGAATCA[G>A]GTAGGGCAAACTGCAACTGTTTTCTGGAAGTTAAAATGTTGATATTCAAATACAGTGGAA-3'
Protein context (NP_001726.2, residues 781-801): PRRKQLQFAL[Pro791Leu]DSLTTWEIQG